The following is an entry in ClinVar:

NM_001972.4(ELANE):c.118G>A (p.Ala40Thr)

Gene: ELANE (elastase, neutrophil expressed; plus strand). Cytogenetic location: 19p13.3.
Variant type: single nucleotide variant.
Coding change: c.118G>A on transcript NM_001972.4 (MANE Select); coding-DNA position 118, G replaced by A.
Protein change: p.Ala40Thr; replaces alanine 40 with threonine.
Molecular consequence: missense variant.
Genome position (GRCh38, 1-based): chr19:852,926, G>A. VCF-style: chr19-852926-G-A. GRCh37 (hg19) VCF-style: chr19-852926-G-A.
Other names: short protein forms A40T.
Identifiers: ClinVar variation 959250 (VCV000959250.12), dbSNP rs1004780968, ClinGen allele CA303942780.

ClinVar aggregate classification (germline): Uncertain significance (1 of 4 stars; one submission).

Conditions:
Cyclical neutropenia. Also called: Cyclic hematopoiesis; Cyclic Neutropenia. Identifiers: Orphanet 2686, MedGen C0221023, MONDO:0008090, OMIM 162800, HP:0040289. Disease mechanism: loss of function.
Neutropenia, severe congenital, 1, autosomal dominant. Identifiers: MedGen C1859966, MONDO:0042490, OMIM 202700.

Allele frequency attached by ClinVar (database versions not stated): gnomAD exomes below 0.00001; gnomAD 0.00001 and 0.00002; TOPMed 0.00001.
gnomAD v4.1: 6 of 1,596,838 alleles (0.00038%); highest among the groups gnomAD compares: Non-Finnish European, 0.00042%; no homozygotes.

Submission:

Labcorp Genetics (formerly Invitae), Labcorp
Classification: Uncertain significance for Neutropenia, severe congenital, 1, autosomal dominant; Cyclical neutropenia. Last evaluated: 2025-01-20. Review status: criteria provided, single submitter. Criteria: Invitae Variant Classification Sherloc (09022015). Collection method: clinical testing. Allele origin: germline.
Comment: This sequence change replaces alanine, which is neutral and non-polar, with threonine, which is neutral and polar, at codon 40 of the ELANE protein (p.Ala40Thr). The frequency data for this variant in the population databases is considered unreliable, as metrics indicate poor data quality at this position in the gnomAD database. This variant has not been reported in the literature in individuals affected with ELANE-related conditions. ClinVar contains an entry for this variant (Variation ID: 959250). Invitae Evidence Modeling of protein sequence and biophysical properties (such as structural, functional, and spatial information, amino acid conservation, physicochemical variation, residue mobility, and thermodynamic stability) has been performed for this missense variant. However, the output from this modeling did not meet the statistical confidence thresholds required to predict the impact of this variant on ELANE protein function. In summary, the available evidence is currently insufficient to determine the role of this variant in disease. Therefore, it has been classified as a Variant of Uncertain Significance.